The following is an entry in ClinVar:

ClinVar aggregate classification (germline): Uncertain significance (1 of 4 stars; one submission).

Conditions:
Autosomal dominant nonsyndromic hearing loss 1. Also called: KONIGSMARK SYNDROME; DEAFNESS, AUTOSOMAL DOMINANT 1, WITH OR WITHOUT THROMBOCYTOPENIA. Identifiers: Orphanet 90635, MedGen C1852282, MONDO:0007424, OMIM 124900.
Progressive microcephaly-seizures-cortical blindness-developmental delay syndrome. Also called: Seizures, cortical blindness, and microcephaly syndrome. Identifiers: Orphanet 477814, MedGen C5567650, MONDO:0014714, OMIM 616632.

Submission:

Labcorp Genetics (formerly Invitae), Labcorp
Classification: Uncertain significance for Progressive microcephaly-seizures-cortical blindness-developmental delay syndrome; Autosomal dominant nonsyndromic hearing loss 1. Last evaluated: 2024-10-17. Review status: criteria provided, single submitter. Criteria: Invitae Variant Classification Sherloc (09022015). Collection method: clinical testing. Allele origin: germline.
Comment: This sequence change replaces asparagine, which is neutral and polar, with isoleucine, which is neutral and non-polar, at codon 938 of the DIAPH1 protein (p.Asn938Ile). This variant is not present in population databases (gnomAD no frequency). This variant has not been reported in the literature in individuals affected with DIAPH1-related conditions. An algorithm developed to predict the effect of missense changes on protein structure and function (PolyPhen-2) suggests that this variant is likely to be disruptive. In summary, the available evidence is currently insufficient to determine the role of this variant in disease. Therefore, it has been classified as a Variant of Uncertain Significance.

NM_005219.5(DIAPH1):c.2813A>T (p.Asn938Ile)

Gene: DIAPH1 (diaphanous related formin 1; minus strand). Cytogenetic location: 5q31.3.
Variant type: single nucleotide variant.
Coding change: c.2813A>T on transcript NM_005219.5 (MANE Select); coding-DNA position 2813, A replaced by T.
Protein change: p.Asn938Ile; replaces asparagine 938 with isoleucine.
Molecular consequence: missense variant.
Genome position (GRCh38, 1-based): chr5:141,528,907, T>A on the plus strand (A>T on the coding strand, the complement: DIAPH1 is on the minus strand). VCF-style: chr5-141528907-T-A. GRCh37 (hg19) VCF-style: chr5-140908474-T-A.
Other names: c.2786A>T, p.Asn929Ile (NM_001079812.3); c.2813A>T, p.Asn938Ile (NM_001314007.2); short protein forms N929I, N938I.
Identifiers: ClinVar variation 2945539 (VCV002945539.3), dbSNP rs1040008297, ClinGen allele CA361585379.